The following is an entry in ClinVar:

NM_024422.6(DSC2):c.1694T>G (p.Ile565Ser)

Gene: DSC2 (desmocollin 2; minus strand). Cytogenetic location: 18q12.1.
Variant type: single nucleotide variant.
Coding change: c.1694T>G on transcript NM_024422.6 (MANE Select); coding-DNA position 1694, T replaced by G.
Protein change: p.Ile565Ser; replaces isoleucine 565 with serine.
Molecular consequence: missense variant.
Genome position (GRCh38, 1-based): chr18:31,074,877, A>C on the plus strand (T>G on the coding strand, the complement: DSC2 is on the minus strand). VCF-style: chr18-31074877-A-C. GRCh37 (hg19) VCF-style: chr18-28654843-A-C.
Other names: c.1694T>G, p.Ile565Ser (NM_004949.5); short protein forms I565S.
Identifiers: ClinVar variation 864394 (VCV000864394.11), dbSNP rs1986963426, ClinGen allele CA402114409.

ClinVar aggregate classification (germline): Uncertain significance. Review status: criteria provided, multiple submitters, no conflicts (2 of 4 stars). 4 submissions from 4 submitters: Uncertain significance (4). Last evaluated 2025-03-03.

Conditions:
Familial isolated arrhythmogenic right ventricular dysplasia. Identifiers: Orphanet 217656, MedGen C4274968, MONDO:0016342.
Arrhythmogenic right ventricular dysplasia 11. Also called: ARRHYTHMOGENIC RIGHT VENTRICULAR DYSPLASIA, FAMILIAL, 11; Arrhythmogenic Right Ventricular Dysplasia/Cardiomyopathy11; Arrhythmogenic right ventricular dysplasia 11 with mild palmoplantar keratoderma and woolly hair. Identifiers: MedGen C1864850, MONDO:0012506, OMIM 610476.

Allele frequency attached by ClinVar (database versions not stated): TOPMed below 0.00001; gnomAD exomes below 0.00001.
gnomAD v4.1: 2 of 1,613,966 alleles (0.00012%); highest among the groups gnomAD compares: Non-Finnish European, 0.00017%; no homozygotes.

Submissions (4):

Labcorp Genetics (formerly Invitae), Labcorp
Classification: Uncertain significance for Arrhythmogenic right ventricular dysplasia 11. Last evaluated: 2025-03-03. Review status: criteria provided, single submitter. Criteria: Invitae Variant Classification Sherloc (09022015). Collection method: clinical testing. Allele origin: germline.
Comment: This sequence change replaces isoleucine, which is neutral and non-polar, with serine, which is neutral and polar, at codon 565 of the DSC2 protein (p.Ile565Ser). This variant is not present in population databases (gnomAD no frequency). This variant has not been reported in the literature in individuals affected with DSC2-related conditions. ClinVar contains an entry for this variant (Variation ID: 864394). Invitae Evidence Modeling of protein sequence and biophysical properties (such as structural, functional, and spatial information, amino acid conservation, physicochemical variation, residue mobility, and thermodynamic stability) has been performed for this missense variant. However, the output from this modeling did not meet the statistical confidence thresholds required to predict the impact of this variant on DSC2 protein function. In summary, the available evidence is currently insufficient to determine the role of this variant in disease. Therefore, it has been classified as a Variant of Uncertain Significance.

All of Us Research Program, National Institutes of Health
Classification: Uncertain significance for Familial isolated arrhythmogenic right ventricular dysplasia. Last evaluated: 2023-02-24. Review status: criteria provided, single submitter. Criteria: ACMG Guidelines, 2015. Collection method: clinical testing. Allele origin: germline. Inheritance: Autosomal dominant inheritance. Observed: 2 variant alleles, 2 heterozygotes.
Comment: This missense variant replaces isoleucine with serine at codon 565 of the DSC2 protein. Computational prediction suggests that this variant may not impact protein structure and function (internally defined REVEL score threshold <= 0.5, PMID: 27666373). To our knowledge, functional studies have not been reported for this variant. This variant has not been reported in individuals affected with DSC2-related disorders in the literature. This variant has not been identified in the general population by the Genome Aggregation Database (gnomAD). The available evidence is insufficient to determine the role of this variant in disease conclusively. Therefore, this variant is classified as a Variant of Uncertain Significance.

This study involves interpretation of variants in research participants for the purpose of population health screening. Participant phenotype was not available at the time of variant classification. Additional details can be found in publication PMID: 35346344, PMCID: PMC8962531

Fulgent Genetics
Classification: Uncertain significance for Arrhythmogenic right ventricular dysplasia 11. Last evaluated: 2021-10-19. Review status: criteria provided, single submitter. Criteria: ACMG Guidelines, 2015. Collection method: clinical testing. Allele origin: unknown.

Women's Health and Genetics/Laboratory Corporation of America, LabCorp
Classification: Uncertain significance. Last evaluated: 2021-07-12. Review status: criteria provided, single submitter. Criteria: LabCorp Variant Classification Summary - May 2015. Collection method: clinical testing. Allele origin: germline.
Comment: Variant summary: DSC2 c.1694T>G (p.Ile565Ser) results in a non-conservative amino acid change located in the 4th cadherin repeat (IPR002126) of the encoded protein. Three of five in-silico tools predict a damaging effect of the variant on protein function. The variant was absent in 250746 control chromosomes (gnomAD). The available data on variant occurrences in the general population are insufficient to allow any conclusion about variant significance. To our knowledge, no occurrence of c.1694T>G in individuals affected with Arrhythmogenic Right Ventricular Dysplasia/Cardiomyopathy and no experimental evidence demonstrating its impact on protein function have been reported. One clinical diagnostic laboratory has submitted clinical-significance assessments for this variant to ClinVar after 2014, and classified the variant as uncertain significance. Based on the evidence outlined above, the variant was classified as uncertain significance.